The following is an entry in ClinVar:

NC_000009.11:g.(?_131105412)_(131107848_?)del

Gene: SLC27A4 (solute carrier family 27 member 4; plus strand). Cytogenetic location: 9q34.11.
Variant type: Deletion.
Identifiers: ClinVar variation 3245334 (VCV003245334.1).

ClinVar aggregate classification (germline): Pathogenic (1 of 4 stars; one submission).

Submission:

Labcorp Genetics (formerly Invitae), Labcorp
Classification: Pathogenic. Last evaluated: 2023-06-27. Review status: criteria provided, single submitter. Criteria: Invitae Variant Classification Sherloc (09022015). Collection method: clinical testing. Allele origin: unknown.
Comment: For these reasons, this variant has been classified as Pathogenic. This variant has not been reported in the literature in individuals affected with SLC27A4-related conditions. This variant is a gross deletion of the genomic region encompassing exon(s) 2-3 of the SLC27A4 gene, which includes the initiator codon. This deletion extends beyond the assayed region for this gene and therefore may encompass additional genes. It is expected to result in an absent or disrupted protein product. Loss-of-function variants in SLC27A4 are known to be pathogenic (PMID: 19631310, 21450060).

Literature cited by the submitters: PubMed 19631310; PubMed 21450060.